The following is an entry in ClinVar:

NM_000051.4(ATM):c.7927+10T>C

Genes: C11orf65 (chromosome 11 open reading frame 65; minus strand), ATM (ATM serine/threonine kinase; plus strand). Cytogenetic location: 11q22.3.
Variant type: single nucleotide variant.
Coding change: c.7927+10T>C on transcript NM_000051.4 (MANE Select); 10 bases into the intron after coding-DNA position 7927, T replaced by C.
Molecular consequence: intron variant.
Genome position (GRCh38, 1-based): chr11:108,332,910, T>C. VCF-style: chr11-108332910-T-C. GRCh37 (hg19) VCF-style: chr11-108203637-T-C.
Other names: c.7927+10T>C (NM_001351834.2); c.641-23839A>G (NM_001330368.2); c.*38+2310A>G (NM_001351110.2).
Identifiers: ClinVar variation 181841 (VCV000181841.17), dbSNP rs730881277, ClinGen allele CA297970.

ClinVar aggregate classification (germline): Conflicting classifications of pathogenicity. Review status: criteria provided, conflicting classifications (1 of 4 stars). 6 submissions from 6 submitters: Uncertain significance (1); Benign (2); Likely benign (3). Last evaluated 2025-12-22.

Conditions:
Hereditary cancer-predisposing syndrome. Also called: Hereditary Cancer Syndrome; Tumor predisposition; Neoplastic Syndromes, Hereditary; Hereditary neoplastic syndrome. Identifiers: Orphanet 140162, MedGen C0027672, MeSH D009386, MONDO:0015356.
Familial cancer of breast. Also called: hereditary breast carcinoma; BREAST CANCER, FAMILIAL; Hereditary breast cancer. Identifiers: Orphanet 227535, MedGen C0346153, MONDO:0016419, OMIM 114480. Disease mechanism: loss of function.
Ataxia-telangiectasia syndrome (AT). Also called: ATAXIA-TELANGIECTASIA, COMPLEMENTATION GROUP A; ATAXIA-TELANGIECTASIA, FRESNO VARIANT; Ataxia-telangiectasia; Ataxia-telangiectasia, complementation group E; Cerebello-oculocutaneous telangiectasia; Immunodeficiency with ataxia telangiectasia. Identifiers: Orphanet 100, MedGen C0004135, MONDO:0008840, OMIM 208900.

Allele frequency attached by ClinVar (database versions not stated): gnomAD 0.00003 and 0.00002; gnomAD exomes 0.00002 and 0.00001; TOPMed 0.00003.
gnomAD v4.1: 33 of 1,610,330 alleles (0.002%); highest among the groups gnomAD compares: African/African-American, 0.0027%; no homozygotes.

Submissions (6):

Labcorp Genetics (formerly Invitae), Labcorp
Classification: Likely benign for Ataxia-telangiectasia syndrome. Last evaluated: 2025-12-22. Review status: criteria provided, single submitter. Criteria: Invitae Variant Classification Sherloc (09022015). Collection method: clinical testing. Allele origin: germline.

Myriad Genetics, Inc.
Classification: Benign for Familial cancer of breast. Last evaluated: 2024-06-17. Review status: criteria provided, single submitter. Criteria: Myriad Autosomal Dominant, Autosomal Recessive and X-Linked Classification Criteria (2023). Collection method: clinical testing. Allele origin: unknown.
Comment: This variant is considered benign. This variant is intronic and is not expected to impact mRNA splicing. This variant is strongly associated with less severe personal and family histories of cancer, typical for individuals without pathogenic variants in this gene [PMID: 25085752].

Quest Diagnostics Nichols Institute San Juan Capistrano
Classification: Uncertain significance. Last evaluated: 2023-12-15. Review status: criteria provided, single submitter. Criteria: Quest Diagnostics criteria. Collection method: clinical testing. Allele origin: unknown.

Department of Pathology and Laboratory Medicine, Sinai Health System
Classification: Likely benign for Familial cancer of breast; Ataxia-telangiectasia syndrome. Last evaluated: 2023-02-27. Review status: criteria provided, single submitter. Criteria: ACMG Guidelines, 2015. Collection method: clinical testing. Allele origin: germline. Affected: no.

Color Diagnostics, LLC DBA Color Health
Classification: Likely benign for Hereditary cancer-predisposing syndrome. Last evaluated: 2017-02-28. Review status: criteria provided, single submitter. Criteria: ACMG Guidelines, 2015. Collection method: clinical testing. Allele origin: germline.

GeneDx
Classification: Benign. Last evaluated: 2014-08-15. Review status: criteria provided, single submitter. Criteria: GeneDx Variant Classification (06012015). Collection method: clinical testing. Allele origin: germline. Affected: yes.
Comment: This variant is considered likely benign or benign based on one or more of the following criteria: it is a conservative change, it occurs at a poorly conserved position in the protein, it is predicted to be benign by multiple in silico algorithms, and/or has population frequency not consistent with disease.

Literature cited by the submitters: PubMed 25085752 (cited by Myriad Genetics, Inc.); PubMed 28779002 (cited by Quest Diagnostics Nichols Institute San Juan Capistrano).